The following is an entry in ClinVar:

ClinVar aggregate classification (germline): Uncertain significance. Review status: criteria provided, multiple submitters, no conflicts (2 of 4 stars). 2 submissions from 2 submitters: Uncertain significance (2). Last evaluated 2023-10-04.

Conditions:
Accelerated tumor formation, susceptibility to (ACTFS). Identifiers: MedGen C3280690, OMIM 614401, MONDO:0013733.

Allele frequency attached by ClinVar (database versions not stated): ExAC 0.00001; gnomAD 0.00001; gnomAD exomes 0.00002; TOPMed 0.00002.
gnomAD v4.1: 38 of 1,613,754 alleles (0.0024%); highest among the groups gnomAD compares: Admixed American, 0.005%; no homozygotes.

Submissions (2):

Labcorp Genetics (formerly Invitae), Labcorp
Classification: Uncertain significance for Accelerated tumor formation, susceptibility to. Last evaluated: 2023-10-04. Review status: criteria provided, single submitter. Criteria: Invitae Variant Classification Sherloc (09022015). Collection method: clinical testing. Allele origin: germline.
Comment: This sequence change replaces isoleucine, which is neutral and non-polar, with leucine, which is neutral and non-polar, at codon 211 of the MDM2 protein (p.Ile211Leu). This variant is present in population databases (rs750452466, gnomAD 0.01%). This variant has not been reported in the literature in individuals affected with MDM2-related conditions. ClinVar contains an entry for this variant (Variation ID: 472750). Algorithms developed to predict the effect of missense changes on protein structure and function output the following: SIFT: "Not Available"; PolyPhen-2: "Benign"; Align-GVGD: "Not Available". The leucine amino acid residue is found in multiple mammalian species, which suggests that this missense change does not adversely affect protein function. In summary, the available evidence is currently insufficient to determine the role of this variant in disease. Therefore, it has been classified as a Variant of Uncertain Significance.

Ambry Genetics
Classification: Uncertain significance. Last evaluated: 2021-10-12. Review status: criteria provided, single submitter. Criteria: Ambry Variant Classification Scheme 2023. Collection method: clinical testing. Allele origin: germline.

NM_002392.6(MDM2):c.631A>C (p.Ile211Leu)

Gene: MDM2 (MDM2 proto-oncogene; plus strand). Cytogenetic location: 12q15.
Variant type: single nucleotide variant.
Coding change: c.631A>C on transcript NM_002392.6 (MANE Select); coding-DNA position 631, A replaced by C.
Protein change: p.Ile211Leu; replaces isoleucine 211 with leucine.
Molecular consequence: missense variant. On other transcripts: intron variant (2).
Genome position (GRCh38, 1-based): chr12:68,828,878, A>C. VCF-style: chr12-68828878-A-C. GRCh37 (hg19) VCF-style: chr12-69222658-A-C.
Other names: c.613A>C, p.Ile205Leu (NM_001145337.3, NM_001367990.1); c.466A>C, p.Ile156Leu (NM_001145339.2); c.157-6951A>C (NM_001278462.2, NM_001145340.3); c.631A>C (NM_002392.3); short protein forms I211L, I156L, I205L.
Identifiers: ClinVar variation 472750 (VCV000472750.7), dbSNP rs750452466, ClinGen allele CA6678730.